The following is an entry in ClinVar:

NM_000180.4(GUCY2D):c.1012del (p.Leu338fs)

Gene: GUCY2D (guanylate cyclase 2D, retinal; plus strand). Cytogenetic location: 17p13.1.
Variant type: Deletion.
Coding change: c.1012del on transcript NM_000180.4 (MANE Select); coding-DNA position 1012, one base deleted (C; older notation c.1012delC).
Protein change: p.Leu338fs; shifts the reading frame from leucine 338.
Molecular consequence: frameshift variant.
Genome position (GRCh38, 1-based): chr17:8,004,142, C deleted; the last of 2 consecutive C bases (chr17:8,004,141-8,004,142); deleting either gives the same sequence. VCF-style (leftmost placement, unchanged base first): chr17-8004140-AC-A. GRCh37 (hg19) VCF-style: chr17-7907458-AC-A.
Other names: short protein forms L338fs.
Identifiers: ClinVar variation 1705604 (VCV001705604.1), dbSNP rs2545418937, ClinGen allele CA2580094922.

ClinVar aggregate classification (germline): Likely pathogenic (1 of 4 stars; one submission).

Conditions:
Leber congenital amaurosis 1 (LCA1). Also called: RETINAL BLINDNESS, CONGENITAL; AMAUROSIS CONGENITA OF LEBER I; Congenital absence of the rods and cones; Leber's congenital tapetoretinal degeneration; Leber's congenital tapetoretinal dysplasia. Identifiers: Orphanet 65, MedGen C2931258, MONDO:0008764, OMIM 204000.

Submission:

3billion
Classification: Likely pathogenic for Leber congenital amaurosis 1. Last evaluated: 2022-09-01. Review status: criteria provided, single submitter. Criteria: ACMG Guidelines, 2015. Collection method: clinical testing. Allele origin: germline. Affected: yes. Observed: 1 heterozygote.
Comment: The variant is not observed in the gnomAD v2.1.1 dataset. Frameshift variant is predicted to result in a loss or disruption of normal protein function through nonsense-mediated decay (NMD) or protein truncation. Multiple pathogenic variants are reported downstream of the variant. Therefore, this variant is classified as Likely pathogenic according to the recommendation of ACMG/AMP guideline.